The following is an entry in ClinVar:

ClinVar aggregate classification (germline): Uncertain significance (1 of 4 stars; one submission).

Submission:

Women's Health and Genetics/Laboratory Corporation of America, LabCorp
Classification: Uncertain significance. Last evaluated: 2025-09-09. Review status: criteria provided, single submitter. Criteria: LabCorp Variant Classification Summary - May 2015. Collection method: clinical testing. Allele origin: germline.
Comment: Variant summary: ARSA c.929G>C (p.Gly310Ala) results in a non-conservative amino acid change in the encoded protein sequence. Algorithms developed to predict the effect of missense changes on protein structure and function all suggest that this variant is likely to be disruptive. The variant was absent in 244576 control chromosomes. The available data on variant occurrences in the general population are insufficient to allow any conclusion about variant significance. To our knowledge, no occurrence of c.929G>C in individuals affected with ARSA-related conditions and no experimental evidence demonstrating its impact on protein function have been reported. A different variant affecting the same codon has been classified as pathogenic by our lab (c.929G>A, p.Gly310Asp), supporting the critical relevance of codon 310 to ARSA protein function, however additional data is needed to make unequivocal conclusions about this variant. No submitters have cited clinical-significance assessments for this variant to ClinVar. Based on the evidence outlined above, the variant was classified as uncertain significance.

NM_000487.6(ARSA):c.929G>C (p.Gly310Ala)

Gene: ARSA (arylsulfatase A; minus strand). Cytogenetic location: 22q13.33.
Variant type: single nucleotide variant.
Coding change: c.929G>C on transcript NM_000487.6 (MANE Select); coding-DNA position 929, G replaced by C.
Protein change: p.Gly310Ala; replaces glycine 310 with alanine.
Molecular consequence: missense variant.
Genome position (GRCh38, 1-based): chr22:50,626,204, C>G on the plus strand (G>C on the coding strand, the complement: ARSA is on the minus strand). VCF-style: chr22-50626204-C-G. GRCh37 (hg19) VCF-style: chr22-51064632-C-G.
Other names: c.929G>C, p.Gly310Ala (NM_001085425.3, NM_001085426.3, NM_001085427.3); c.671G>C, p.Gly224Ala (NM_001085428.3, NM_001362782.2); short protein forms G224A, G310A.
Identifiers: ClinVar variation 4535654 (VCV004535654.1).